The following is an entry in ClinVar:

NM_001128148.3(TFRC):c.743C>A (p.Thr248Asn)

Gene: TFRC (transferrin receptor; minus strand). Cytogenetic location: 3q29.
Variant type: single nucleotide variant.
Coding change: c.743C>A on transcript NM_001128148.3 (MANE Select); coding-DNA position 743, C replaced by A.
Protein change: p.Thr248Asn; replaces threonine 248 with asparagine.
Molecular consequence: missense variant. On other transcripts: 5 prime UTR variant (1).
Genome position (GRCh38, 1-based): chr3:196,069,513, G>T on the plus strand (C>A on the coding strand, the complement: TFRC is on the minus strand). VCF-style: chr3-196069513-G-T. GRCh37 (hg19) VCF-style: chr3-195796384-G-T.
Other names: c.500C>A, p.Thr167Asn (NM_001313965.2); c.-104C>A (NM_001313966.2); c.743C>A, p.Thr248Asn (NM_003234.4); short protein forms T167N, T248N.
Identifiers: ClinVar variation 2694604 (VCV002694604.3), dbSNP rs762642181, ClinGen allele CA355574477.

ClinVar aggregate classification (germline): Uncertain significance (1 of 4 stars; one submission).

Submission:

Labcorp Genetics (formerly Invitae), Labcorp
Classification: Uncertain significance. Last evaluated: 2023-12-25. Review status: criteria provided, single submitter. Criteria: Invitae Variant Classification Sherloc (09022015). Collection method: clinical testing. Allele origin: germline.
Comment: This sequence change replaces threonine, which is neutral and polar, with asparagine, which is neutral and polar, at codon 248 of the TFRC protein (p.Thr248Asn). This variant is not present in population databases (gnomAD no frequency). This variant has not been reported in the literature in individuals affected with TFRC-related conditions. Advanced modeling of protein sequence and biophysical properties (such as structural, functional, and spatial information, amino acid conservation, physicochemical variation, residue mobility, and thermodynamic stability) performed at Invitae indicates that this missense variant is not expected to disrupt TFRC protein function with a negative predictive value of 80%. In summary, the available evidence is currently insufficient to determine the role of this variant in disease. Therefore, it has been classified as a Variant of Uncertain Significance.